The following is an entry in ClinVar:

ClinVar aggregate classification (germline): Uncertain significance. Review status: criteria provided, multiple submitters, no conflicts (2 of 4 stars). 2 submissions from 2 submitters: Uncertain significance (2). Last evaluated 2022-07-19.

Conditions:
Inborn genetic diseases. Identifiers: MedGen C0950123, MeSH D030342.

Allele frequency attached by ClinVar (database versions not stated): gnomAD exomes below 0.00001 and 0.00001; ExAC 0.00002; gnomAD 0.00004 and 0.00005; TOPMed 0.00004; ESP Exome Variant Server 0.00008; 1000 Genomes Project 30x 0.00016; 1000 Genomes Project 0.00020.

Submissions (2):

Labcorp Genetics (formerly Invitae), Labcorp
Classification: Uncertain significance. Last evaluated: 2022-07-19. Review status: criteria provided, single submitter. Criteria: Invitae Variant Classification Sherloc (09022015). Collection method: clinical testing. Allele origin: germline.
Comment: This sequence change replaces glutamine, which is neutral and polar, with arginine, which is basic and polar, at codon 406 of the RSPRY1 protein (p.Gln406Arg). This variant is present in population databases (rs149541223, gnomAD 0.01%). This variant has not been reported in the literature in individuals affected with RSPRY1-related conditions. ClinVar contains an entry for this variant (Variation ID: 1391754). Algorithms developed to predict the effect of missense changes on protein structure and function are either unavailable or do not agree on the potential impact of this missense change (SIFT: "Deleterious"; PolyPhen-2: "Benign"; Align-GVGD: "Class C0"). In summary, the available evidence is currently insufficient to determine the role of this variant in disease. Therefore, it has been classified as a Variant of Uncertain Significance.

Ambry Genetics
Classification: Uncertain significance for Inborn genetic diseases. Last evaluated: 2022-01-31. Review status: criteria provided, single submitter. Criteria: Ambry Variant Classification Scheme 2023. Collection method: clinical testing. Allele origin: germline.

NM_133368.3(RSPRY1):c.1217A>G (p.Gln406Arg)

Gene: RSPRY1 (ring finger and SPRY domain containing 1; plus strand). Cytogenetic location: 16q13.
Variant type: single nucleotide variant.
Coding change: c.1217A>G on transcript NM_133368.3 (MANE Select); coding-DNA position 1217, A replaced by G.
Protein change: p.Gln406Arg; replaces glutamine 406 with arginine.
Molecular consequence: missense variant.
Genome position (GRCh38, 1-based): chr16:57,227,397, A>G. VCF-style: chr16-57227397-A-G. GRCh37 (hg19) VCF-style: chr16-57261309-A-G.
Other names: c.1217A>G, p.Gln406Arg (NM_001305163.2, NM_001305164.2); c.1217A>G (NM_133368.1); short protein forms Q406R.
Identifiers: ClinVar variation 1391754 (VCV001391754.5), dbSNP rs149541223, ClinGen allele CA8074675.
Genomic context (GRCh38, chr16:57,227,397, plus strand): 5'-TCCAGGAAGGCTACGGCATTGGGGATGATGAATACTCCTGTGCGTATGATGGCTGCCGGC[A>G]GCTGATTTGGTACAATGCCAGAAGTAAGCCTCACATACACCCATGCTGGAAAGAAGGTAT-3'
Protein context (NP_588609.1, residues 396-416): EYSCAYDGCR[Gln406Arg]LIWYNARSKP